The following is an entry in ClinVar:

ClinVar aggregate classification (germline): Uncertain significance (1 of 4 stars; one submission).

Conditions:
Hereditary pheochromocytoma and paraganglioma. Also called: Hereditary paragangliomas and pheochromocytomas; Hereditary Paraganglioma-Pheochromocytoma Syndromes; Hereditary pheochromocytoma-paraganglioma. Identifiers: Orphanet 29072, MedGen C4274332, MONDO:0017366.

Submission:

Labcorp Genetics (formerly Invitae), Labcorp
Classification: Uncertain significance for Hereditary pheochromocytoma and paraganglioma. Last evaluated: 2023-04-24. Review status: criteria provided, single submitter. Criteria: Invitae Variant Classification Sherloc (09022015). Collection method: clinical testing. Allele origin: germline.
Comment: In summary, the available evidence is currently insufficient to determine the role of this variant in disease. Therefore, it has been classified as a Variant of Uncertain Significance. An algorithm developed to predict the effect of missense changes on protein structure and function (PolyPhen-2) suggests that this variant is likely to be tolerated. This variant has not been reported in the literature in individuals affected with SDHAF2-related conditions. This variant is not present in population databases (gnomAD no frequency). This sequence change replaces threonine, which is neutral and polar, with serine, which is neutral and polar, at codon 9 of the SDHAF2 protein (p.Thr9Ser).

NM_017841.4(SDHAF2):c.26C>G (p.Thr9Ser)

Gene: SDHAF2 (succinate dehydrogenase complex assembly factor 2; plus strand). Cytogenetic location: 11q12.2.
Variant type: single nucleotide variant.
Coding change: c.26C>G on transcript NM_017841.4 (MANE Select); coding-DNA position 26, C replaced by G.
Protein change: p.Thr9Ser; replaces threonine 9 with serine.
Molecular consequence: missense variant.
Genome position (GRCh38, 1-based): chr11:61,430,172, C>G. VCF-style: chr11-61430172-C-G. GRCh37 (hg19) VCF-style: chr11-61197644-C-G.
Other names: short protein forms T9S.
Identifiers: ClinVar variation 2822847 (VCV002822847.3), dbSNP rs552102107, ClinGen allele CA380680198.